The following is an entry in ClinVar:

NM_001144967.3(NEDD4L):c.2186-10C>T

Gene: NEDD4L (NEDD4 like E3 ubiquitin protein ligase; plus strand). Cytogenetic location: 18q21.31.
Variant type: single nucleotide variant.
Coding change: c.2186-10C>T on transcript NM_001144967.3 (MANE Select); 10 bases into the intron before coding-DNA position 2186, C replaced by T.
Molecular consequence: intron variant.
Genome position (GRCh38, 1-based): chr18:58,370,387, C>T. VCF-style: chr18-58370387-C-T. GRCh37 (hg19) VCF-style: chr18-56037619-C-T.
Other names: c.2126-10C>T (NM_015277.6); c.1994-10C>T (NM_001243960.2); c.1823-10C>T (NM_001144964.1, NM_001144965.2, NM_001144966.3); c.1763-10C>T (NM_001144971.2, NM_001144970.3); c.2162-10C>T (NM_001144968.2); c.2102-10C>T (NM_001144969.2).
Identifiers: ClinVar variation 718118 (VCV000718118.14), dbSNP rs764821969, ClinGen allele CA8975899.

ClinVar aggregate classification (germline): Likely benign. Review status: criteria provided, multiple submitters, no conflicts (2 of 4 stars). 4 submissions from 4 submitters: Likely benign (3). 1 of the submissions does not count toward it. Last evaluated 2026-04-24.

Conditions:
Periventricular nodular heterotopia 7 (PVNH7). Identifiers: MedGen C4310669, MONDO:0014966, OMIM 617201.
NEDD4L-related disorder. Also called: NEDD4L-related condition.

Allele frequency attached by ClinVar (database versions not stated): ExAC 0.00002; gnomAD exomes 0.00002; gnomAD 0.00004; TOPMed 0.00004.
gnomAD v4.1: 21 of 1,576,766 alleles (0.0013%); highest among the groups gnomAD compares: African/African-American, 0.012%; no homozygotes.

Submissions (4):

Women's Health and Genetics/Laboratory Corporation of America, LabCorp
Classification: Likely benign. Last evaluated: 2026-04-24. Review status: criteria provided, single submitter. Criteria: LabCorp Variant Classification Summary - May 2015. Collection method: clinical testing. Allele origin: germline.

Labcorp Genetics (formerly Invitae), Labcorp
Classification: Likely benign. Last evaluated: 2025-05-22. Review status: criteria provided, single submitter. Criteria: Invitae Variant Classification Sherloc (09022015). Collection method: clinical testing. Allele origin: germline.

Fulgent Genetics
Classification: Likely benign for Periventricular nodular heterotopia 7. Last evaluated: 2021-07-07. Review status: criteria provided, single submitter. Criteria: ACMG Guidelines, 2015. Collection method: clinical testing. Allele origin: unknown.

PreventionGenetics, part of Exact Sciences
Classification: Likely benign for NEDD4L-related condition. Last evaluated: 2020-08-20. Review status: no assertion criteria provided. Collection method: clinical testing. Allele origin: germline. Not counted in ClinVar's aggregate classification.
Comment: This variant is classified as likely benign based on ACMG/AMP sequence variant interpretation guidelines (Richards et al. 2015 PMID: 25741868, with internal and published modifications).